The following is an entry in ClinVar:

ClinVar aggregate classification (germline): Uncertain significance (1 of 4 stars; one submission).

Submission:

Ambry Genetics
Classification: Uncertain significance. Last evaluated: 2024-02-23. Review status: criteria provided, single submitter. Criteria: Ambry Variant Classification Scheme 2023. Collection method: clinical testing. Allele origin: germline.
Comment: The p.M848I variant (also known as c.2544G>A), located in coding exon 21 of the BUB1 gene, results from a G to A substitution at nucleotide position 2544. The methionine at codon 848 is replaced by isoleucine, an amino acid with highly similar properties. This amino acid position is conserved. In addition, this alteration is predicted to be tolerated by in silico analysis. Based on the available evidence, the clinical significance of this alteration remains unclear.

NM_004336.5(BUB1):c.2544G>A (p.Met848Ile)

Gene: BUB1 (BUB1 mitotic checkpoint serine/threonine kinase; minus strand). Cytogenetic location: 2q13.
Variant type: single nucleotide variant.
Coding change: c.2544G>A on transcript NM_004336.5 (MANE Select); coding-DNA position 2544, G replaced by A.
Protein change: p.Met848Ile; replaces methionine 848 with isoleucine.
Molecular consequence: missense variant.
Genome position (GRCh38, 1-based): chr2:110,641,723, C>T on the plus strand (G>A on the coding strand, the complement: BUB1 is on the minus strand). VCF-style: chr2-110641723-C-T. GRCh37 (hg19) VCF-style: chr2-111399300-C-T.
Other names: c.2484G>A, p.Met828Ile (NM_001278616.2); c.2544G>A, p.Met848Ile (NM_001278617.2); short protein forms M828I, M848I.
Identifiers: ClinVar variation 3224051 (VCV003224051.1), dbSNP rs2467972140, ClinGen allele CA348090399.
Genomic context (GRCh38, chr2:110,641,723, plus strand): 5'-GAGCTCTCCTACTAATACACTGCCATTCTGGAATAAGTGGGCAGAATAGAACTTCATAAA[C>T]ATGTGCTGCATAGATGGCTTTAGTCTTTCCATCAACTGGGTCCCAATGTAGAATTCCCAG-3'
Protein context (NP_004327.1, residues 838-858): MERLKPSMQH[Met848Ile]FMKFYSAHLF